The following is an entry in ClinVar:

NM_001376.5(DYNC1H1):c.12662C>T (p.Thr4221Met)

Gene: DYNC1H1 (dynein cytoplasmic 1 heavy chain 1; plus strand). Cytogenetic location: 14q32.31.
Variant type: single nucleotide variant.
Coding change: c.12662C>T on transcript NM_001376.5 (MANE Select); coding-DNA position 12662, C replaced by T.
Protein change: p.Thr4221Met; replaces threonine 4221 with methionine.
Molecular consequence: missense variant.
Genome position (GRCh38, 1-based): chr14:102,044,023, C>T. VCF-style: chr14-102044023-C-T. GRCh37 (hg19) VCF-style: chr14-102510360-C-T.
Other names: short protein forms T4221M.
Identifiers: ClinVar variation 3681665 (VCV003681665.3).
Genomic context (GRCh38, chr14:102,044,023, plus strand): 5'-GGTCAAAGAAGTATGAATTTGGAGAGTCTGACCTGCGGTCAGCTTGCGATACGGTGGACA[C>T]GTGGCTGGATGACACGGCCAAGGCAAGTGTGGGCCATGCCAGGACAGACAGTGGACGTGT-3'
Protein context (NP_001367.2, residues 4211-4231): DLRSACDTVD[Thr4221Met]WLDDTAKGRQ

ClinVar aggregate classification (germline): Uncertain significance. Review status: criteria provided, multiple submitters, no conflicts (2 of 4 stars). 2 submissions from 2 submitters: Uncertain significance (2). Last evaluated 2024-10-24.

Conditions:
Charcot-Marie-Tooth disease axonal type 2O. Also called: CHARCOT-MARIE-TOOTH NEUROPATHY, AXONAL, TYPE 2O; CHARCOT-MARIE-TOOTH DISEASE, AXONAL, AUTOSOMAL DOMINANT, TYPE 2O; Charcot-Marie-Tooth Neuropathy Type 2O; Charcot-Marie-Tooth disease, axonal, type 20. Identifiers: Orphanet 284232, MedGen C3280220, MONDO:0013644, OMIM 614228.

gnomAD v4.1: 2 of 1,614,004 alleles (0.00012%); highest among the groups gnomAD compares: Non-Finnish European, 0.000085%; no homozygotes.

Submissions (2):

Labcorp Genetics (formerly Invitae), Labcorp
Classification: Uncertain significance for Charcot-Marie-Tooth disease axonal type 2O. Last evaluated: 2024-10-24. Review status: criteria provided, single submitter. Criteria: Invitae Variant Classification Sherloc (09022015). Collection method: clinical testing. Allele origin: germline.
Comment: This sequence change replaces threonine, which is neutral and polar, with methionine, which is neutral and non-polar, at codon 4221 of the DYNC1H1 protein (p.Thr4221Met). This variant is not present in population databases (gnomAD no frequency). This variant has not been reported in the literature in individuals affected with DYNC1H1-related conditions. Invitae Evidence Modeling of protein sequence and biophysical properties (such as structural, functional, and spatial information, amino acid conservation, physicochemical variation, residue mobility, and thermodynamic stability) indicates that this missense variant is not expected to disrupt DYNC1H1 protein function with a negative predictive value of 95%. In summary, the available evidence is currently insufficient to determine the role of this variant in disease. Therefore, it has been classified as a Variant of Uncertain Significance.

Blueprint Genetics
Classification: Uncertain significance. Last evaluated: 2023-06-02. Review status: criteria provided, single submitter. Criteria: ACMG Guidelines, 2015. Collection method: clinical testing. Allele origin: germline.